The following is an entry in ClinVar:

NM_022124.6(CDH23):c.3431-6A>T

Genes: C10orf105 (chromosome 10 open reading frame 105; minus strand), CDH23 (cadherin related 23; plus strand). Cytogenetic location: 10q22.1.
Variant type: single nucleotide variant.
Coding change: c.3431-6A>T on transcript NM_022124.6 (MANE Select); 6 bases into the intron before coding-DNA position 3431, A replaced by T.
Molecular consequence: intron variant.
Genome position (GRCh38, 1-based): chr10:71,725,366, A>T. VCF-style: chr10-71725366-A-T. GRCh37 (hg19) VCF-style: chr10-73485123-A-T.
Other names: c.3431-6A>T (NM_001171930.2); c.-5-9024T>A (NM_001168390.2).
Identifiers: ClinVar variation 227223 (VCV000227223.23), dbSNP rs377614198, ClinGen allele CA5544730.

ClinVar aggregate classification (germline): Conflicting classifications of pathogenicity. Review status: criteria provided, conflicting classifications (1 of 4 stars). 7 submissions from 7 submitters: Uncertain significance (1); Likely benign (5). 1 of the submissions does not count toward it. Last evaluated 2026-05-07.

Conditions:
CDH23-related disorder. Also called: CDH23-related condition; CDH23-related disorders.
Cone-rod dystrophy. Also called: Cone/cone-rod dystrophy; Cone-rod degeneration. Identifiers: Orphanet 1872, MedGen C4085590, MONDO:0015993, HP:0000548.
Usher syndrome type 1 (USH1). Also called: RETINITIS PIGMENTOSA AND CONGENITAL DEAFNESS. Identifiers: Orphanet 231169, Orphanet 886, MedGen C1568247, MONDO:0010168, OMIM 276900.

Allele frequency attached by ClinVar (database versions not stated): ESP Exome Variant Server 0.00008; 1000 Genomes Project 30x 0.00016; gnomAD 0.00018 and 0.00019; gnomAD exomes 0.00001 and 0.00005; ExAC 0.00004; TOPMed 0.00017; 1000 Genomes Project 0.00020.
gnomAD v4.1: 50 of 1,614,036 alleles (0.0031%); highest among the groups gnomAD compares: African/African-American, 0.057%; no homozygotes.

Submissions (7):

PreventionGenetics, part of Exact Sciences
Classification: Likely benign for CDH23-related condition. Last evaluated: 2026-05-07. Review status: criteria provided, single submitter. Criteria: ACMG Guidelines, 2015. Collection method: clinical testing. Allele origin: germline.
Comment: This variant is classified as likely benign based on ACMG/AMP sequence variant interpretation guidelines (Richards et al. 2015 PMID: 25741868, with internal and published modifications).

Labcorp Genetics (formerly Invitae), Labcorp
Classification: Likely benign. Last evaluated: 2026-01-19. Review status: criteria provided, single submitter. Criteria: Invitae Variant Classification Sherloc (09022015). Collection method: clinical testing. Allele origin: germline.

Blueprint Genetics
Classification: Likely benign. Last evaluated: 2024-10-29. Review status: criteria provided, single submitter. Criteria: ACMG Guidelines, 2015. Collection method: clinical testing. Allele origin: germline.

Cambridge Genomics Laboratory, East Genomic Laboratory Hub, NHS Genomic Medicine Service
Classification: Likely benign for Cone-rod dystrophy. Last evaluated: 2020-04-21. Review status: criteria provided, single submitter. Criteria: ACGS Best Practice Guidelines for Variant Classification in Rare Disease 2020. Collection method: clinical testing. Allele origin: germline. Affected: yes. Observed: 1 variant allele.

Eurofins Ntd Llc (ga)
Classification: Uncertain significance. Last evaluated: 2017-01-19. Review status: criteria provided, single submitter. Criteria: EGL Classification Definitions 2015. Collection method: clinical testing. Allele origin: germline. Observed: 1 variant allele, 1 heterozygote.

Laboratory for Molecular Medicine, Mass General Brigham Personalized Medicine
Classification: Likely benign. Last evaluated: 2015-05-27. Review status: criteria provided, single submitter. Criteria: LMM Criteria. Collection method: clinical testing. Allele origin: germline. Observed: 1 variant allele.
Comment: c.3431-6A>T in intron 29 of CDH23: This variant is not expected to have clinical significance because a thymine "T" at this position does not diverge from the s plice consensus sequence and is therefore unlikely to impact splicing. It has be en identified in 5/9778 African chromosomes by the Exome Aggregation Consortium (ExAC; dbSNP rs377614198).

Natera, Inc.
Classification: Likely benign for Usher syndrome type 1. Last evaluated: 2020-09-16. Review status: no assertion criteria provided. Collection method: clinical testing. Allele origin: germline. Not counted in ClinVar's aggregate classification.